The following is an entry in ClinVar:

ClinVar aggregate classification (germline): Uncertain significance (1 of 4 stars; one submission).

Conditions:
Dilated cardiomyopathy 1G (CMD1G). Identifiers: Orphanet 154, MedGen C1858763, MONDO:0011400, OMIM 604145.
Autosomal recessive limb-girdle muscular dystrophy type 2J (LGMDR10). Also called: Limb-girdle muscular dystrophy, type 2J; MUSCULAR DYSTROPHY, LIMB-GIRDLE, AUTOSOMAL RECESSIVE 10. Identifiers: Orphanet 140922, MedGen C1837342, MONDO:0012127, OMIM 608807.

Allele frequency attached by ClinVar (database versions not stated): gnomAD exomes below 0.00001; gnomAD 0.00001.

Submission:

Labcorp Genetics (formerly Invitae), Labcorp
Classification: Uncertain significance for Dilated cardiomyopathy 1G; Autosomal recessive limb-girdle muscular dystrophy type 2J. Last evaluated: 2018-10-31. Review status: criteria provided, single submitter. Criteria: Invitae Variant Classification Sherloc (09022015). Collection method: clinical testing. Allele origin: germline.
Comment: Algorithms developed to predict the effect of missense changes on protein structure and function are unavailable for the TTN gene. This variant is located in the M band of TTN (PMID: 25589632). Variants in this region may be relevant for neuromuscular disorders, but have not been definitively shown to cause cardiomyopathy (PMID: 23975875). In summary, the available evidence is currently insufficient to determine the role of this variant in disease. Therefore, it has been classified as a Variant of Uncertain Significance. This variant has not been reported in the literature in individuals with TTN-related disease. This variant is not present in population databases (ExAC no frequency). This sequence change replaces isoleucine with leucine at codon 34133 of the TTN protein (p.Ile34133Leu). There is a small physicochemical difference between isoleucine and leucine.

Literature cited by the submitters: PubMed 25589632; PubMed 23975875.

NM_001267550.2(TTN):c.102397A>C (p.Ile34133Leu)

Genes: TTN (titin; minus strand), TTN-AS1 (TTN antisense RNA 1; plus strand). Cytogenetic location: 2q31.2.
Variant type: single nucleotide variant.
Coding change: c.102397A>C on transcript NM_001267550.2 (MANE Select); coding-DNA position 102397, A replaced by C.
Protein change: p.Ile34133Leu; replaces isoleucine 34133 with leucine.
Molecular consequence: missense variant.
Genome position (GRCh38, 1-based): chr2:178,534,218, T>G on the plus strand (A>C on the coding strand, the complement: TTN is on the minus strand). VCF-style: chr2-178534218-T-G. GRCh37 (hg19) VCF-style: chr2-179398945-T-G.
Other names: c.97474A>C, p.Ile32492Leu (NM_001256850.1); c.75202A>C, p.Ile25068Leu (NM_003319.4); c.94693A>C, p.Ile31565Leu (NM_133378.4); c.75577A>C, p.Ile25193Leu (NM_133432.3); c.75778A>C, p.Ile25260Leu (NM_133437.4); short protein forms I31565L, I25193L, I32492L, I34133L, I25068L, I25260L.
Identifiers: ClinVar variation 647496 (VCV000647496.7), dbSNP rs1328046092, ClinGen allele CA349417682.